The following is an entry in ClinVar:

NM_212482.4(FN1):c.91A>T (p.Arg31Trp)

Genes: FN1 (fibronectin 1; minus strand), FN1-DT (FN1 divergent transcript; plus strand). Cytogenetic location: 2q35.
Variant type: single nucleotide variant.
Coding change: c.91A>T on transcript NM_212482.4 (MANE Select); coding-DNA position 91, A replaced by T.
Protein change: p.Arg31Trp; replaces arginine 31 with tryptophan.
Molecular consequence: missense variant.
Genome position (GRCh38, 1-based): chr2:215,435,712, T>A on the plus strand (A>T on the coding strand, the complement: FN1 is on the minus strand). VCF-style: chr2-215435712-T-A. GRCh37 (hg19) VCF-style: chr2-216300435-T-A.
Other names: c.91A>T, p.Arg31Trp (NM_001306129.2, NM_001306130.2, NM_001306131.2 and 14 more transcripts); short protein forms R31W.
Identifiers: ClinVar variation 1312343 (VCV001312343.2), dbSNP rs2106561462, ClinGen allele CA350480804.

ClinVar aggregate classification (germline): Uncertain significance (1 of 4 stars; one submission).

Submission:

GeneDx
Classification: Uncertain significance. Last evaluated: 2019-10-01. Review status: criteria provided, single submitter. Criteria: GeneDx Variant Classification Process June 2021. Collection method: clinical testing. Allele origin: germline. Affected: yes.
Comment: Not observed in large population cohorts (Lek et al., 2016); In silico analysis, which includes protein predictors and evolutionary conservation, supports a deleterious effect; Has not been previously published as pathogenic or benign to our knowledge